The following is an entry in ClinVar:

NM_005228.5(EGFR):c.2394C>T (p.Leu798=)

Genes: EGFR-AS1 (EGFR antisense RNA 1; minus strand), EGFR (epidermal growth factor receptor; plus strand). Cytogenetic location: 7p11.2.
Variant type: single nucleotide variant.
Coding change: c.2394C>T on transcript NM_005228.5 (MANE Select); coding-DNA position 2394, C replaced by T.
Protein change: p.Leu798=; no amino-acid change (leucine 798 retained).
Molecular consequence: synonymous variant. On other transcripts: non-coding transcript variant (1).
Genome position (GRCh38, 1-based): chr7:55,181,403, C>T. VCF-style: chr7-55181403-C-T. GRCh37 (hg19) VCF-style: chr7-55249096-C-T.
Other names: c.2259C>T, p.Leu753= (NM_001346897.2, NM_001346899.2); c.2394C>T, p.Leu798= (NM_001346898.2); c.2235C>T, p.Leu745= (NM_001346900.2); c.1593C>T, p.Leu531= (NM_001346941.2).
Identifiers: ClinVar variation 3773428 (VCV003773428.3).

ClinVar aggregate classification (germline): Benign/Likely benign. Review status: criteria provided, multiple submitters, no conflicts (2 of 4 stars). 3 submissions from 3 submitters: Benign (1); Likely benign (2). Last evaluated 2025-05-09.

Conditions:
Lung cancer. Also called: Lung cancer, somatic; Malignant tumor of lung. Identifiers: MedGen C0242379, MONDO:0008903, OMIM 211980.
Hereditary cancer-predisposing syndrome. Also called: Tumor predisposition; Hereditary Cancer Syndrome; Neoplastic Syndromes, Hereditary; Hereditary neoplastic syndrome. Identifiers: Orphanet 140162, MedGen C0027672, MeSH D009386, MONDO:0015356.
EGFR-related lung cancer (EGFR). Identifiers: MedGen CN130014.

Submissions (3):

Labcorp Genetics (formerly Invitae), Labcorp
Classification: Likely benign for EGFR-related lung cancer. Last evaluated: 2025-05-09. Review status: criteria provided, single submitter. Criteria: Invitae Variant Classification Sherloc (09022015). Collection method: clinical testing. Allele origin: germline.

Ambry Genetics
Classification: Likely benign for Hereditary cancer-predisposing syndrome. Last evaluated: 2025-04-24. Review status: criteria provided, single submitter. Criteria: Ambry Variant Classification Scheme 2023. Collection method: clinical testing. Allele origin: germline.

Myriad Genetics, Inc.
Classification: Benign for Lung cancer. Last evaluated: 2024-10-16. Review status: criteria provided, single submitter. Criteria: Myriad Autosomal Dominant, Autosomal Recessive and X-Linked Classification Criteria (2023). Collection method: clinical testing. Allele origin: unknown.
Comment: This variant is considered benign. This variant is a silent/synonymous amino acid change and it is not expected to impact splicing.